The following is an entry in ClinVar:

ClinVar aggregate classification (germline): Pathogenic (1 of 4 stars; one submission).

Submission:

Labcorp Genetics (formerly Invitae), Labcorp
Classification: Pathogenic. Last evaluated: 2024-08-28. Review status: criteria provided, single submitter. Criteria: Invitae Variant Classification Sherloc (09022015). Collection method: clinical testing. Allele origin: germline.
Comment: This sequence change creates a premature translational stop signal (p.Tyr1792*) in the TECTA gene. It is expected to result in an absent or disrupted protein product. Loss-of-function variants in TECTA are known to be pathogenic (PMID: 11087000, 12746400, 17431902, 24130743). This variant is not present in population databases (gnomAD no frequency). This variant has not been reported in the literature in individuals affected with TECTA-related conditions. Algorithms developed to predict the effect of sequence changes on RNA splicing suggest that this variant may disrupt the consensus splice site. For these reasons, this variant has been classified as Pathogenic.

Literature cited by the submitters: PubMed 11087000; PubMed 12746400; PubMed 17431902; PubMed 24130743.

NM_005422.4(TECTA):c.5376T>G (p.Tyr1792Ter)

Genes: TBCEL-TECTA (TBCEL-TECTA readthrough; plus strand), TECTA (tectorin alpha; plus strand). Cytogenetic location: 11q23.3.
Variant type: single nucleotide variant.
Coding change: c.5376T>G on transcript NM_005422.4 (MANE Select); coding-DNA position 5376, T replaced by G.
Protein change: p.Tyr1792Ter; replaces tyrosine 1792 with a stop codon.
Molecular consequence: nonsense.
Genome position (GRCh38, 1-based): chr11:121,165,376, T>G. VCF-style: chr11-121165376-T-G. GRCh37 (hg19) VCF-style: chr11-121036085-T-G.
Other names: c.6318T>G, p.Tyr2106Ter (NM_001378761.1); short protein forms Y1792*, Y2106*.
Identifiers: ClinVar variation 3663677 (VCV003663677.2).